The following is an entry in ClinVar:

ClinVar aggregate classification (germline): Conflicting classifications of pathogenicity. Review status: criteria provided, conflicting classifications (1 of 4 stars). 5 submissions from 5 submitters: Uncertain significance (4); Likely benign (1). Last evaluated 2024-11-08.

Conditions:
Familial sleep-related hypermotor epilepsy. Also called: Autosomal Dominant Sleep-Related Hypermotor (Hyperkinetic) Epilepsy. Identifiers: Orphanet 98784, MedGen C3696898, MONDO:0000030.
Amyotrophic lateral sclerosis (ALS). Also called: Charcot disease; Lou Gehrig disease. Identifiers: Orphanet 803, MedGen C0002736, MONDO:0004976, HP:0007354.

Allele frequency attached by ClinVar (database versions not stated): ExAC 0.00002; gnomAD exomes 0.00002; gnomAD 0.00003 and 0.00004; TOPMed 0.00003.
gnomAD v4.1: 30 of 1,613,678 alleles (0.0019%); highest among the groups gnomAD compares: African/African-American, 0.0027%; no homozygotes.

Submissions (5):

Labcorp Genetics (formerly Invitae), Labcorp
Classification: Uncertain significance. Last evaluated: 2024-11-08. Review status: criteria provided, single submitter. Criteria: Invitae Variant Classification Sherloc (09022015). Collection method: clinical testing. Allele origin: germline.
Comment: This sequence change replaces valine, which is neutral and non-polar, with methionine, which is neutral and non-polar, at codon 327 of the CHRNA4 protein (p.Val327Met). This variant is present in population databases (rs201841018, gnomAD 0.006%). This missense change has been observed in individual(s) with dyskinesia, dystonia, and/or seizures (PMID: 29454195). This missense change has been observed in at least one individual who was not affected with CHRNA4-related conditions (internal data). ClinVar contains an entry for this variant (Variation ID: 835474). Invitae Evidence Modeling of protein sequence and biophysical properties (such as structural, functional, and spatial information, amino acid conservation, physicochemical variation, residue mobility, and thermodynamic stability) indicates that this missense variant is expected to disrupt CHRNA4 protein function with a positive predictive value of 80%. In summary, the available evidence is currently insufficient to determine the role of this variant in disease. Therefore, it has been classified as a Variant of Uncertain Significance.

Blueprint Genetics
Classification: Uncertain significance. Last evaluated: 2024-09-30. Review status: criteria provided, single submitter. Criteria: ACMG Guidelines, 2015. Collection method: clinical testing. Allele origin: germline.

Athena Diagnostics
Classification: Uncertain significance. Last evaluated: 2024-09-24. Review status: criteria provided, single submitter. Criteria: Athena Diagnostics Criteria. Collection method: clinical testing. Allele origin: unknown.

GeneDx
Classification: Uncertain significance. Last evaluated: 2023-08-02. Review status: criteria provided, single submitter. Criteria: GeneDx Variant Classification Process June 2021. Collection method: clinical testing. Allele origin: germline. Affected: yes.
Comment: In silico analysis supports that this missense variant has a deleterious effect on protein structure/function; This variant is associated with the following publications: (PMID: 34426522, 33391346, 36883047, 35093606, 33929620, 32579787, 29454195)

Suna and Inan Kirac Foundation Neurodegeneration Research Laboratory, Koc University
Classification: Likely benign for Amyotrophic lateral sclerosis. Last evaluated: 2020-03-31. Review status: criteria provided, single submitter. Criteria: ACMG Guidelines, 2015. Collection method: research. Allele origin: germline. Affected: yes. Observed: 1 variant allele.

Literature cited by the submitters: PubMed 29454195 (cited by Labcorp Genetics (formerly Invitae), Labcorp and Athena Diagnostics); PubMed 33391346 (cited by Athena Diagnostics); PubMed 32579787 (cited by Athena Diagnostics).

NM_000744.7(CHRNA4):c.979G>A (p.Val327Met)

Gene: CHRNA4 (cholinergic receptor nicotinic alpha 4 subunit; minus strand). Cytogenetic location: 20q13.33.
Variant type: single nucleotide variant.
Coding change: c.979G>A on transcript NM_000744.7 (MANE Select); coding-DNA position 979, G replaced by A.
Protein change: p.Val327Met; replaces valine 327 with methionine.
Molecular consequence: missense variant. On other transcripts: non-coding transcript variant (1).
Genome position (GRCh38, 1-based): chr20:63,350,432, C>T on the plus strand (G>A on the coding strand, the complement: CHRNA4 is on the minus strand). VCF-style: chr20-63350432-C-T. GRCh37 (hg19) VCF-style: chr20-61981784-C-T.
Other names: c.979G>A (NM_000744.5); c.451G>A, p.Val151Met (NM_001256573.2); short protein forms V151M, V327M.
Identifiers: ClinVar variation 835474 (VCV000835474.13), dbSNP rs201841018, ClinGen allele CA9957687.